The following is an entry in ClinVar:

ClinVar aggregate classification (germline): Uncertain significance. Review status: criteria provided, multiple submitters, no conflicts (2 of 4 stars). 2 submissions from 2 submitters: Uncertain significance (2). Last evaluated 2025-10-14.

Conditions:
Hereditary cancer-predisposing syndrome. Also called: Tumor predisposition; Hereditary neoplastic syndrome; Neoplastic Syndromes, Hereditary; Hereditary Cancer Syndrome. Identifiers: Orphanet 140162, MedGen C0027672, MeSH D009386, MONDO:0015356.

Submissions (2):

Labcorp Genetics (formerly Invitae), Labcorp
Classification: Uncertain significance. Last evaluated: 2025-10-14. Review status: criteria provided, single submitter. Criteria: Invitae Variant Classification Sherloc (09022015). Collection method: clinical testing. Allele origin: germline.
Comment: This sequence change replaces proline, which is neutral and non-polar, with alanine, which is neutral and non-polar, at codon 109 of the NTHL1 protein (p.Pro109Ala). This variant is not present in population databases (gnomAD no frequency). This variant has not been reported in the literature in individuals affected with NTHL1-related conditions. ClinVar contains an entry for this variant (Variation ID: 1008723). An algorithm developed to predict the effect of missense changes on protein structure and function (PolyPhen-2) suggests that this variant is likely to be disruptive. In summary, the available evidence is currently insufficient to determine the role of this variant in disease. Therefore, it has been classified as a Variant of Uncertain Significance.

Ambry Genetics
Classification: Uncertain significance for Hereditary cancer-predisposing syndrome. Last evaluated: 2024-09-23. Review status: criteria provided, single submitter. Criteria: Ambry Variant Classification Scheme 2023. Collection method: clinical testing. Allele origin: germline.
Comment: The p.P109A variant (also known as c.325C>G), located in coding exon 2 of the NTHL1 gene, results from a C to G substitution at nucleotide position 325. The proline at codon 109 is replaced by alanine, an amino acid with highly similar properties. This amino acid position is conserved. In addition, this alteration is predicted to be deleterious by in silico analysis. Based on the available evidence, the clinical significance of this variant remains unclear.

NM_002528.7(NTHL1):c.301C>G (p.Pro101Ala)

Gene: NTHL1 (nth like DNA glycosylase 1; minus strand). Cytogenetic location: 16p13.3.
Variant type: single nucleotide variant.
Coding change: c.301C>G on transcript NM_002528.7 (MANE Select); coding-DNA position 301, C replaced by G.
Protein change: p.Pro101Ala; replaces proline 101 with alanine.
Molecular consequence: missense variant. On other transcripts: intron variant (1).
Genome position (GRCh38, 1-based): chr16:2,046,181, G>C on the plus strand (C>G on the coding strand, the complement: NTHL1 is on the minus strand). VCF-style: chr16-2046181-G-C. GRCh37 (hg19) VCF-style: chr16-2096182-G-C.
Other names: c.301C>G, p.Pro101Ala (NM_001318193.2); c.24+99C>G (NM_001318194.2); c.325C>G (NM_002528.5); short protein forms P101A.
Identifiers: ClinVar variation 1008723 (VCV001008723.8), dbSNP rs2084366760, ClinGen allele CA394295511.